The following is an entry in ClinVar:

NM_000426.4(LAMA2):c.2736G>A (p.Ala912=)

Gene: LAMA2 (laminin subunit alpha 2; plus strand). Cytogenetic location: 6q22.33.
Variant type: single nucleotide variant.
Coding change: c.2736G>A on transcript NM_000426.4 (MANE Select); coding-DNA position 2736, G replaced by A.
Protein change: p.Ala912=; no amino-acid change (alanine 912 retained).
Molecular consequence: synonymous variant.
Genome position (GRCh38, 1-based): chr6:129,288,045, G>A. VCF-style: chr6-129288045-G-A. GRCh37 (hg19) VCF-style: chr6-129609190-G-A.
Other names: c.2736G>A, p.Ala912= (NM_001079823.2).
Identifiers: ClinVar variation 256058 (VCV000256058.48), dbSNP rs142671449, ClinGen allele CA3993035.

ClinVar aggregate classification (germline): Conflicting classifications of pathogenicity. Review status: criteria provided, conflicting classifications (1 of 4 stars). 7 submissions from 7 submitters: Uncertain significance (2); Likely benign (5). Last evaluated 2026-01-11.

Conditions:
LAMA2-related muscular dystrophy (LAMA2-RD). Also called: Laminin alpha 2-related dystrophy. Identifiers: MedGen C5679788, MONDO:0100228.
Congenital muscular dystrophy due to partial LAMA2 deficiency. Identifiers: MedGen C1842898.

Allele frequency attached by ClinVar (database versions not stated): ExAC 0.00007; ESP Exome Variant Server 0.00008; gnomAD exomes 0.00008; gnomAD 0.00009; TOPMed 0.00011.
gnomAD v4.1: 113 of 1,613,832 alleles (0.007%); highest among the groups gnomAD compares: Middle Eastern, 0.3%; no homozygotes.

Submissions (7):

Labcorp Genetics (formerly Invitae), Labcorp
Classification: Likely benign for LAMA2-related muscular dystrophy. Last evaluated: 2026-01-11. Review status: criteria provided, single submitter. Criteria: Invitae Variant Classification Sherloc (09022015). Collection method: clinical testing. Allele origin: germline.

Blueprint Genetics
Classification: Likely benign. Last evaluated: 2024-09-19. Review status: criteria provided, single submitter. Criteria: ACMG Guidelines, 2015. Collection method: clinical testing. Allele origin: germline.

CeGaT Center for Human Genetics Tuebingen
Classification: Likely benign. Last evaluated: 2022-07-01. Review status: criteria provided, single submitter. Criteria: CeGaT Center For Human Genetics Tuebingen Variant Classification Criteria Version 2. Collection method: clinical testing. Allele origin: germline. Affected: yes. Observed: 2 variant alleles.
Comment: LAMA2: BP4, BP7

GeneDx
Classification: Likely benign. Last evaluated: 2020-05-26. Review status: criteria provided, single submitter. Criteria: GeneDx Variant Classification Process June 2021. Collection method: clinical testing. Allele origin: germline. Affected: yes.
Comment: This variant is associated with the following publications: (PMID: 30055037)

Illumina Laboratory Services, Illumina
Classification: Uncertain significance for Congenital muscular dystrophy due to partial LAMA2 deficiency. Last evaluated: 2018-01-13. Review status: criteria provided, single submitter. Criteria: ICSL Variant Classification Criteria 13 December 2019. Collection method: clinical testing. Allele origin: germline.

Eurofins Ntd Llc (ga)
Classification: Uncertain significance. Last evaluated: 2016-05-09. Review status: criteria provided, single submitter. Criteria: EGL Classification Definitions 2015. Collection method: clinical testing. Allele origin: germline. Observed: 1 variant allele, 1 homozygote.

PreventionGenetics, part of Exact Sciences
Classification: Likely benign. Review status: criteria provided, single submitter. Criteria: ACMG Guidelines, 2015. Collection method: clinical testing. Allele origin: germline.